The following is an entry in ClinVar:

ClinVar aggregate classification (germline): Likely benign. Review status: criteria provided, multiple submitters, no conflicts (2 of 4 stars). 4 submissions from 4 submitters: Likely benign (4). Last evaluated 2026-04-01.

Conditions:
Intellectual developmental disorder, autosomal dominant 1. Also called: MBD5 Haploinsufficiency; Intellectual disability, autosomal dominant 1. Identifiers: Orphanet 228402, MedGen C1969562, MONDO:0007974, OMIM 156200.

Allele frequency attached by ClinVar (database versions not stated): gnomAD 0.00003 and 0.00004; gnomAD exomes 0.00003; TOPMed 0.00002; ESP Exome Variant Server 0.00008; ExAC 0.00004.
gnomAD v4.1: 43 of 1,613,774 alleles (0.0027%); highest among the groups gnomAD compares: Middle Eastern, 0.016%; no homozygotes.

Submissions (4):

CeGaT Center for Human Genetics Tuebingen
Classification: Likely benign. Last evaluated: 2026-04-01. Review status: criteria provided, single submitter. Criteria: CeGaT Center For Human Genetics Tuebingen Variant Classification Criteria Version 2. Collection method: clinical testing. Allele origin: germline. Affected: yes. Observed: 2 variant alleles.
Comment: MBD5: BP4, BP7

Labcorp Genetics (formerly Invitae), Labcorp
Classification: Likely benign for Intellectual developmental disorder, autosomal dominant 1. Last evaluated: 2024-02-18. Review status: criteria provided, single submitter. Criteria: Invitae Variant Classification Sherloc (09022015). Collection method: clinical testing. Allele origin: germline.

GeneDx
Classification: Likely benign. Last evaluated: 2020-07-14. Review status: criteria provided, single submitter. Criteria: GeneDx Variant Classification Process June 2021. Collection method: clinical testing. Allele origin: germline. Affected: yes.

Genetic Services Laboratory, University of Chicago
Classification: Likely benign. Last evaluated: 2016-12-15. Review status: criteria provided, single submitter. Criteria: ACMG Guidelines, 2015. Collection method: clinical testing. Allele origin: germline. Affected: no.

NM_001378120.1(MBD5):c.2370C>T (p.Ser790=)

Gene: MBD5 (methyl-CpG binding domain protein 5; plus strand). Cytogenetic location: 2q23.1.
Variant type: single nucleotide variant.
Coding change: c.2370C>T on transcript NM_001378120.1 (MANE Select); coding-DNA position 2370, C replaced by T.
Protein change: p.Ser790=; no amino-acid change (serine 790 retained).
Molecular consequence: synonymous variant.
Genome position (GRCh38, 1-based): chr2:148,470,313, C>T. VCF-style: chr2-148470313-C-T. GRCh37 (hg19) VCF-style: chr2-149227882-C-T.
Other names: c.2370C>T, p.Ser790= (NM_018328.5).
Identifiers: ClinVar variation 435821 (VCV000435821.40), dbSNP rs376037852, ClinGen allele CA1900128.